The following is an entry in ClinVar:

NM_001041.4(SI):c.1217A>C (p.Asn406Thr)

Gene: SI (sucrase-isomaltase; minus strand). Cytogenetic location: 3q26.1.
Variant type: single nucleotide variant.
Coding change: c.1217A>C on transcript NM_001041.4 (MANE Select); coding-DNA position 1217, A replaced by C.
Protein change: p.Asn406Thr; replaces asparagine 406 with threonine.
Molecular consequence: missense variant.
Genome position (GRCh38, 1-based): chr3:165,059,229, T>G on the plus strand (A>C on the coding strand, the complement: SI is on the minus strand). VCF-style: chr3-165059229-T-G. GRCh37 (hg19) VCF-style: chr3-164777017-T-G.
Other names: short protein forms N406T.
Identifiers: ClinVar variation 1512098 (VCV001512098.6), dbSNP rs777261367, ClinGen allele CA2691140.

ClinVar aggregate classification (germline): Uncertain significance. Review status: criteria provided, multiple submitters, no conflicts (2 of 4 stars). 2 submissions from 2 submitters: Uncertain significance (2). Last evaluated 2021-09-06.

Conditions:
Sucrase-isomaltase deficiency (CSID). Also called: SI DEFICIENCY; Deficiency of isomaltase; Congenital sucrose isomaltose malabsorption; Sucrose isomaltose enzyme deficiency. Identifiers: Orphanet 35122, MedGen C1283620, MONDO:0009114, OMIM 222900.

Allele frequency attached by ClinVar (database versions not stated): gnomAD exomes below 0.00001 and 0.00001; ExAC 0.00001; gnomAD 0.00001.
gnomAD v4.1: 4 of 1,612,700 alleles (0.00025%); highest among the groups gnomAD compares: Non-Finnish European, 0.00025%; no homozygotes.

Submissions (2):

Fulgent Genetics
Classification: Uncertain significance for Sucrase-isomaltase deficiency. Last evaluated: 2021-09-06. Review status: criteria provided, single submitter. Criteria: ACMG Guidelines, 2015. Collection method: clinical testing. Allele origin: unknown.

Labcorp Genetics (formerly Invitae), Labcorp
Classification: Uncertain significance. Last evaluated: 2021-08-28. Review status: criteria provided, single submitter. Criteria: Invitae Variant Classification Sherloc (09022015). Collection method: clinical testing. Allele origin: germline.
Comment: This sequence change replaces asparagine with threonine at codon 406 of the SI protein (p.Asn406Thr). The asparagine residue is weakly conserved and there is a small physicochemical difference between asparagine and threonine. The frequency data for this variant in the population databases is considered unreliable, as metrics indicate poor data quality at this position in the ExAC database. This variant has not been reported in the literature in individuals affected with SI-related conditions. Advanced modeling of protein sequence and biophysical properties (such as structural, functional, and spatial information, amino acid conservation, physicochemical variation, residue mobility, and thermodynamic stability) performed at Invitae indicates that this missense variant is not expected to disrupt SI protein function. In summary, the available evidence is currently insufficient to determine the role of this variant in disease. Therefore, it has been classified as a Variant of Uncertain Significance.